The following is an entry in ClinVar:

ClinVar aggregate classification (germline): Uncertain significance (1 of 4 stars; one submission).

Conditions:
Inborn genetic diseases. Identifiers: MedGen C0950123, MeSH D030342.

gnomAD v4.1: 1 of 1,614,228 alleles (0.000062%); no homozygotes.

Submission:

Ambry Genetics
Classification: Uncertain significance for Inborn genetic diseases. Last evaluated: 2025-08-02. Review status: criteria provided, single submitter. Criteria: Ambry Variant Classification Scheme 2023. Collection method: clinical testing. Allele origin: germline.
Comment: The p.F495L variant (also known as c.1485T>G), located in coding exon 8 of the MECOM gene, results from a T to G substitution at nucleotide position 1485. The phenylalanine at codon 495 is replaced by leucine, an amino acid with highly similar properties. This amino acid position is conserved. In addition, the in silico prediction for this alteration is inconclusive. Based on the available evidence, the clinical significance of this variant remains unclear.

NM_004991.4(MECOM):c.1485T>G (p.Phe495Leu)

Gene: MECOM (MDS1 and EVI1 complex locus; minus strand). Cytogenetic location: 3q26.2.
Variant type: single nucleotide variant.
Coding change: c.1485T>G on transcript NM_004991.4 (MANE Select); coding-DNA position 1485, T replaced by G.
Protein change: p.Phe495Leu; replaces phenylalanine 495 with leucine.
Molecular consequence: missense variant. On other transcripts: intron variant (2).
Genome position (GRCh38, 1-based): chr3:169,116,387, A>C on the plus strand (T>G on the coding strand, the complement: MECOM is on the minus strand). VCF-style: chr3-169116387-A-C. GRCh37 (hg19) VCF-style: chr3-168834175-A-C.
Other names: c.1116T>G, p.Phe372Leu (NM_001105077.4); c.921T>G, p.Phe307Leu (NM_001105078.4, NM_001164000.2, NM_001205194.2 and 4 more transcripts); c.924T>G, p.Phe308Leu (NM_001163999.2, NM_001366467.2, NM_001366468.2 and 1 more transcripts); c.1485T>G, p.Phe495Leu (NM_001366466.2); c.1133-620T>G (NM_001366473.2); c.569-620T>G (NM_001366474.2); short protein forms F307L, F495L, F308L, F372L.
Identifiers: ClinVar variation 4105822 (VCV004105822.1).